The following is an entry in ClinVar:

ClinVar aggregate classification (germline): Pathogenic (1 of 4 stars; one submission).

Conditions:
Ataxia-telangiectasia syndrome (AT). Also called: Ataxia-telangiectasia, complementation group D; AT, COMPLEMENTATION GROUP C; Ataxia telangiectasia (A-T); Cerebello-oculocutaneous telangiectasia; Immunodeficiency with ataxia telangiectasia; ATAXIA-TELANGIECTASIA, COMPLEMENTATION GROUP A. Identifiers: Orphanet 100, MedGen C0004135, MONDO:0008840, OMIM 208900.

Submission:

Labcorp Genetics (formerly Invitae), Labcorp
Classification: Pathogenic for Ataxia-telangiectasia syndrome. Last evaluated: 2018-12-30. Review status: criteria provided, single submitter. Criteria: Invitae Variant Classification Sherloc (09022015). Collection method: clinical testing. Allele origin: germline.
Comment: For these reasons, this variant has been classified as Pathogenic. Loss-of-function variants in ATM are known to be pathogenic (PMID: 23807571, 25614872). This variant has not been reported in the literature in individuals with ATM-related conditions. This variant is not present in population databases (ExAC no frequency). This sequence change creates a premature translational stop signal (p.Ser706Ilefs*2) in the ATM gene. It is expected to result in an absent or disrupted protein product.

Literature cited by the submitters: PubMed 23807571; PubMed 25614872.

NM_000051.4(ATM):c.2116_2117del (p.Ser706fs)

Gene: ATM (ATM serine/threonine kinase; plus strand). Cytogenetic location: 11q22.3.
Variant type: Deletion.
Coding change: c.2116_2117del on transcript NM_000051.4 (MANE Select); coding-DNA positions 2116 to 2117, 2 bases deleted (TC; older notation c.2116_2117delTC).
Protein change: p.Ser706fs; shifts the reading frame from serine 706.
Molecular consequence: frameshift variant.
Genome position (GRCh38, 1-based): chr11:108,254,031-108,254,032, TC deleted; deleting any 2 consecutive bases within chr11:108,254,030-108,254,032 gives the same sequence; the c. name uses the placement nearest the transcript's 3' end. VCF-style (leftmost placement, unchanged base first): chr11-108254029-ACT-A. GRCh37 (hg19) VCF-style: chr11-108124756-ACT-A.
Other names: c.2116_2117del, p.Ser706fs (NM_001351834.2); short protein forms S706fs.
Identifiers: ClinVar variation 665438 (VCV000665438.6), dbSNP rs1591535064, ClinGen allele CA915948361.
Genomic context (GRCh38, chr11:108,254,029, plus strand): 5'-ATCTCAAGGAATCACTGGATCGCTGTCTTCTGGGATTATCAGAACAGCTTCTGAATAATT[ACT>A]CATCTGAGGTGAGATTTTTTAAAAAAAGAACTAAGCTTATATATGATTCAACTTTGGTAA-3'